The following is an entry in ClinVar:

ClinVar aggregate classification (germline): Uncertain significance (1 of 4 stars; one submission).

Conditions:
Congenital disorder of glycosylation, type Ii. Also called: CDG Ii; ALG2-CDG; ALG2-congenital disorder of glycosylation. Identifiers: Orphanet 79326, MedGen C1842836, MONDO:0011933, OMIM 607906.
Congenital myasthenic syndrome 14. Also called: Myasthenic syndrome, congenital, 14, with tubular aggregates. Identifiers: Orphanet 353327, Orphanet 590, MedGen C4015597, MONDO:0014543, OMIM 616228.

Allele frequency attached by ClinVar (database versions not stated): gnomAD exomes 0.00001 and below 0.00001; TOPMed below 0.00001; ExAC 0.00006.

Submission:

Labcorp Genetics (formerly Invitae), Labcorp
Classification: Uncertain significance for Congenital disorder of glycosylation, type Ii; Congenital myasthenic syndrome 14. Last evaluated: 2016-08-30. Review status: criteria provided, single submitter. Criteria: Invitae Variant Classification Sherloc (09022015). Collection method: clinical testing. Allele origin: germline.
Comment: This sequence change replaces aspartic acid with glutamic acid at codon 73 of the ALG2 protein (p.Asp73Glu). The aspartic acid residue is highly conserved and there is a small physicochemical difference between aspartic acid and glutamic acid. This variant is present in population databases (rs755705607, ExAC 0.02%) but has not been reported in the literature in individuals with a ALG2-related disease. Algorithms developed to predict the effect of missense changes on protein structure and function do not agree on the potential impact of this missense change (SIFT: "Tolerated"; PolyPhen-2: "Possibly Damaging"; Align-GVGD: "Class C0"). In summary, this variant is a rare missense change with uncertain impact on protein function. There is no indication that it causes disease, but the available evidence is currently insufficient to prove that conclusively. Therefore, it has been classified as a Variant of Uncertain Significance.

NM_033087.4(ALG2):c.219C>G (p.Asp73Glu)

Gene: ALG2 (ALG2 alpha-1,3/1,6-mannosyltransferase; minus strand). Cytogenetic location: 9q22.33.
Variant type: single nucleotide variant.
Coding change: c.219C>G on transcript NM_033087.4 (MANE Select); coding-DNA position 219, C replaced by G.
Protein change: p.Asp73Glu; replaces aspartic acid 73 with glutamic acid.
Molecular consequence: missense variant. On other transcripts: non-coding transcript variant (1).
Genome position (GRCh38, 1-based): chr9:99,221,676, G>C on the plus strand (C>G on the coding strand, the complement: ALG2 is on the minus strand). VCF-style: chr9-99221676-G-C. GRCh37 (hg19) VCF-style: chr9-101983958-G-C.
Other names: short protein forms D73E.
Identifiers: ClinVar variation 464894 (VCV000464894.7), dbSNP rs755705607, ClinGen allele CA5156439.